The following is an entry in ClinVar:

NM_002769.5(PRSS1):c.360C>T (p.Asn120=)

Genes: TRB (T cell receptor beta locus; plus strand), PRSS1 (serine protease 1; plus strand). Cytogenetic location: 7q34.
Variant type: single nucleotide variant.
Coding change: c.360C>T on transcript NM_002769.5 (MANE Select); coding-DNA position 360, C replaced by T.
Protein change: p.Asn120=; no amino-acid change (asparagine 120 retained).
Molecular consequence: synonymous variant.
Genome position (GRCh38, 1-based): chr7:142,751,933, C>T. VCF-style: chr7-142751933-C-T. GRCh37 (hg19) VCF-style: chr7-142459784-C-T.
Identifiers: ClinVar variation 161989 (VCV000161989.21), dbSNP rs606231348, ClinGen allele CA273025.
Genomic context (GRCh38, chr7:142,751,933, plus strand): 5'-CAGGAAGACTCTGAACAATGACATCATGTTAATCAAGCTCTCCTCACGTGCAGTAATCAA[C>T]GCCCGCGTGTCCACCATCTCTCTGCCCACCGCCCCTCCAGCCACTGGCACGAAGTGCCTC-3'
Protein context (NP_002760.1, residues 110-130): LIKLSSRAVI[Asn120=]ARVSTISLPT

ClinVar aggregate classification (germline): Likely benign. Review status: criteria provided, multiple submitters, no conflicts (2 of 4 stars). 5 submissions from 5 submitters: Likely benign (4). 1 of the submissions does not count toward it. Last evaluated 2023-09-08.

Conditions:
Hereditary pancreatitis (PCTT). Also called: Hereditary chronic pancreatitis; PRSS1-Related Hereditary Pancreatitis. Identifiers: Orphanet 676, MedGen C0238339, MONDO:0008185, OMIM 167800.

Allele frequency attached by ClinVar (database versions not stated): ExAC 0.00017.

Submissions (5):

Labcorp Genetics (formerly Invitae), Labcorp
Classification: Likely benign for Hereditary pancreatitis. Last evaluated: 2023-09-08. Review status: criteria provided, single submitter. Criteria: Invitae Variant Classification Sherloc (09022015). Collection method: clinical testing. Allele origin: germline.

Ambry Genetics
Classification: Likely benign for Hereditary pancreatitis. Last evaluated: 2021-02-12. Review status: criteria provided, single submitter. Criteria: Ambry Variant Classification Scheme 2023. Collection method: clinical testing. Allele origin: germline.

Women's Health and Genetics/Laboratory Corporation of America, LabCorp
Classification: Likely benign. Last evaluated: 2019-07-24. Review status: criteria provided, single submitter. Criteria: LabCorp Variant Classification Summary - May 2015. Collection method: clinical testing. Allele origin: germline.

ARUP Laboratories, Molecular Genetics and Genomics, ARUP Laboratories
Classification: Likely benign. Last evaluated: 2017-05-11. Review status: criteria provided, single submitter. Criteria: ARUP Molecular Germline Variant Investigation Process. Collection method: clinical testing. Allele origin: germline.
Comment: The PRSS1 c.360C>T, p.Asn120Asn variant (rs606231348) has not been reported in the medical literature, but is listed in ClinVar (Variation ID: 161989). It is observed in the Genome Aggregation Database at a frequency of 0.004 percent (11/274710), but is considered a low-confidence variant. The variant is a synonymous substitution, and computational algorithms (GeneSplicer, Human Splicing Finder, MaxEntScan, MutationTaster, NNSplice, SpliceSiteFinder-like) predict no impact on splicing. Based on the above information, the variant is considered likely benign.

Forschungslabor Klinik Innere Medizin A University Medicine Greifswald
Classification: Uncertain significance for Hereditary pancreatitis. Review status: no assertion criteria provided. Collection method: not provided. Allele origin: inherited. Not counted in ClinVar's aggregate classification.
Comment: Result of a ~70bp gene conversion between PRSS1 and PRSS3P2, giving rise to a triple mutant cationic Trypsinogen (p.S115T/p.R116P/p.R122H).
ClinVar note: Converted during submission from unknown to Uncertain significance.